The following is an entry in ClinVar:

NM_000268.4(NF2):c.1340G>T (p.Arg447Met)

Gene: NF2 (NF2, moesin-ezrin-radixin like (MERLIN) tumor suppressor; plus strand). Cytogenetic location: 22q12.2.
Variant type: single nucleotide variant.
Coding change: c.1340G>T on transcript NM_000268.4 (MANE Select); coding-DNA position 1340, G replaced by T.
Protein change: p.Arg447Met; replaces arginine 447 with methionine.
Molecular consequence: missense variant. On other transcripts: non-coding transcript variant (1), intron variant (1).
Genome position (GRCh38, 1-based): chr22:29,673,486, G>T. VCF-style: chr22-29673486-G-T. GRCh37 (hg19) VCF-style: chr22-30069475-G-T.
Other names: c.1340G>T, p.Arg447Met (NM_016418.5, NM_181825.3, NM_181832.3); c.1214G>T, p.Arg405Met (NM_181828.3); c.1217G>T, p.Arg406Met (NM_181829.3); c.1091G>T, p.Arg364Met (NM_181830.3, NM_181831.3); c.448-21266G>T (NM_181833.3); short protein forms R364M, R406M, R405M, R447M.
Identifiers: ClinVar variation 850679 (VCV000850679.4), dbSNP rs2066868182, ClinGen allele CA411148743.
Genomic context (GRCh38, chr22:29,673,486, plus strand): 5'-AGCAGAAGGTGCTGGAAGCCGAGGTGCTGGCACTGAAGATGGCTGAGGAGTCAGAGAGGA[G>T]GTGAGGGGGCACCGGGCACCAGACTGGCGAGGAGGCTGGCGAAGGGCCGCAGACCAGCCT-3'
Protein context (NP_000259.1, residues 437-457): ALKMAEESER[Arg447Met]AKEADQLKQD

ClinVar aggregate classification (germline): Uncertain significance. Review status: criteria provided, multiple submitters, no conflicts (2 of 4 stars). 2 submissions from 2 submitters: Uncertain significance (2). Last evaluated 2024-07-16.

Conditions:
Neurofibromatosis, type 2 (SWNV). Also called: SCHWANNOMATOSIS, VESTIBULAR; NF2-Related Schwannomatosis; BILATERAL ACOUSTIC NEUROFIBROMATOSIS. Identifiers: Orphanet 637, MedGen C0027832, MONDO:0007039, OMIM 101000. Disease mechanism: loss of function.

Submissions (2):

Labcorp Genetics (formerly Invitae), Labcorp
Classification: Uncertain significance for Neurofibromatosis, type 2. Last evaluated: 2024-07-16. Review status: criteria provided, single submitter. Criteria: Invitae Variant Classification Sherloc (09022015). Collection method: clinical testing. Allele origin: germline.
Comment: This sequence change replaces arginine, which is basic and polar, with methionine, which is neutral and non-polar, at codon 447 of the NF2 protein (p.Arg447Met). This variant also falls at the last nucleotide of exon 12, which is part of the consensus splice site for this exon. This variant is not present in population databases (gnomAD no frequency). This missense change has been observed in individual(s) with clinical features of neurofibromatosis type 2 (Invitae). ClinVar contains an entry for this variant (Variation ID: 850679). An algorithm developed to predict the effect of missense changes on protein structure and function (PolyPhen-2) suggests that this variant is likely to be disruptive. Variants that disrupt the consensus splice site are a relatively common cause of aberrant splicing (PMID: 17576681, 9536098). Algorithms developed to predict the effect of sequence changes on RNA splicing suggest that this variant may disrupt the consensus splice site. In summary, the available evidence is currently insufficient to determine the role of this variant in disease. Therefore, it has been classified as a Variant of Uncertain Significance.

Blueprint Genetics
Classification: Uncertain significance. Last evaluated: 2020-04-10. Review status: criteria provided, single submitter. Criteria: ACMG Guidelines, 2015. Collection method: clinical testing. Allele origin: germline.

Literature cited by the submitters: PubMed 17576681 (cited by Labcorp Genetics (formerly Invitae), Labcorp); PubMed 9536098 (cited by Labcorp Genetics (formerly Invitae), Labcorp).